The following is an entry in ClinVar:

NM_003238.6(TGFB2):c.877T>G (p.Ser293Ala)

Gene: TGFB2 (transforming growth factor beta 2; plus strand). Cytogenetic location: 1q41.
Variant type: single nucleotide variant.
Coding change: c.877T>G on transcript NM_003238.6 (MANE Select); coding-DNA position 877, T replaced by G.
Protein change: p.Ser293Ala; replaces serine 293 with alanine.
Molecular consequence: missense variant. On other transcripts: non-coding transcript variant (2).
Genome position (GRCh38, 1-based): chr1:218,436,092, T>G. VCF-style: chr1-218436092-T-G. GRCh37 (hg19) VCF-style: chr1-218609434-T-G.
Other names: c.961T>G, p.Ser321Ala (NM_001135599.4); short protein forms S293A, S321A.
Identifiers: ClinVar variation 2452023 (VCV002452023.2), dbSNP rs2464872183, ClinGen allele CA344727258.
Genomic context (GRCh38, chr1:218,436,092, plus strand): 5'-AAAAACAGTGGGAAGACCCCACATCTCCTGCTAATGTTATTGCCCTCCTACAGACTTGAG[T>G]CACAACAGACCAACCGGCGGAAGAAGCGTGCTTTGGATGCGGCCTATTGCTTTAGGTAAA-3'
Protein context (NP_003229.1, residues 283-303): LMLLPSYRLE[Ser293Ala]QQTNRRKKRA

ClinVar aggregate classification (germline): Uncertain significance (1 of 4 stars; one submission).

Conditions:
Familial thoracic aortic aneurysm and aortic dissection (TAAD). Also called: Thoracic aortic aneurysms and dissections. Identifiers: Orphanet 91387, MedGen C4707243, MONDO:0019625.

Submission:

Ambry Genetics
Classification: Uncertain significance for Familial thoracic aortic aneurysm and aortic dissection. Last evaluated: 2023-02-16. Review status: criteria provided, single submitter. Criteria: Ambry Variant Classification Scheme 2023. Collection method: clinical testing. Allele origin: germline.
Comment: The p.S293A variant (also known as c.877T>G), located in coding exon 5 of the TGFB2 gene, results from a T to G substitution at nucleotide position 877. The serine at codon 293 is replaced by alanine, an amino acid with similar properties. This amino acid position is conserved. In addition, this alteration is predicted to be tolerated by in silico analysis. Since supporting evidence is limited at this time, the clinical significance of this alteration remains unclear.